The following is an entry in ClinVar:

NM_015338.6(ASXL1):c.2207C>T (p.Thr736Ile)

Gene: ASXL1 (ASXL transcriptional regulator 1; plus strand). Cytogenetic location: 20q11.21.
Variant type: single nucleotide variant.
Coding change: c.2207C>T on transcript NM_015338.6 (MANE Select); coding-DNA position 2207, C replaced by T.
Protein change: p.Thr736Ile; replaces threonine 736 with isoleucine.
Molecular consequence: missense variant.
Genome position (GRCh38, 1-based): chr20:32,434,919, C>T. VCF-style: chr20-32434919-C-T. GRCh37 (hg19) VCF-style: chr20-31022722-C-T.
Other names: c.2024C>T, p.Thr675Ile (NM_001363734.1); short protein forms T675I, T736I.
Identifiers: ClinVar variation 3439821 (VCV003439821.1).
Genomic context (GRCh38, chr20:32,434,919, plus strand): 5'-CTAGGAGAGAGGACCTGCCTTCTCTGAGAAAGGAGGAAAGCTGCCTACTACAGAGGGCTA[C>T]AGTTGGACTCACAGATGGGCTAGGAGATGCCTCCCAACTCCCCGTTGCTCCCACTGGGGA-3'
Protein context (NP_056153.2, residues 726-746): KEESCLLQRA[Thr736Ile]VGLTDGLGDA

ClinVar aggregate classification (germline): Uncertain significance (1 of 4 stars; one submission).

Conditions:
Inborn genetic diseases. Identifiers: MedGen C0950123, MeSH D030342.

gnomAD v4.1: 3 of 1,614,192 alleles (0.00019%); highest among the groups gnomAD compares: Non-Finnish European, 0.00025%; no homozygotes.

Submission:

Ambry Genetics
Classification: Uncertain significance for Inborn genetic diseases. Last evaluated: 2024-12-08. Review status: criteria provided, single submitter. Criteria: Ambry Variant Classification Scheme 2023. Collection method: clinical testing. Allele origin: germline.
Comment: The p.T736I variant (also known as c.2207C>T), located in coding exon 13 of the ASXL1 gene, results from a C to T substitution at nucleotide position 2207. The threonine at codon 736 is replaced by isoleucine, an amino acid with similar properties. This amino acid position is conserved. In addition, this alteration is predicted to be tolerated by in silico analysis. Based on the available evidence, the clinical significance of this variant remains unclear.